The following is an entry in ClinVar:

ClinVar aggregate classification (germline): Uncertain significance. Review status: criteria provided, multiple submitters, no conflicts (2 of 4 stars). 4 submissions from 4 submitters: Uncertain significance (4). Last evaluated 2026-06-10.

Conditions:
Inborn genetic diseases. Identifiers: MedGen C0950123, MeSH D030342.
Early-infantile DEE. Also called: Ohtahara syndrome; Early infantile epileptic encephalopathy; Early infantile epileptic encephalopathy with suppression bursts. Identifiers: Orphanet 1934, MedGen C0393706, MONDO:0800491.

Allele frequency attached by ClinVar (database versions not stated): gnomAD 0.00001; TOPMed 0.00001; gnomAD exomes 0.00002 and 0.00001.
gnomAD v4.1: 25 of 1,613,488 alleles (0.0015%); highest among the groups gnomAD compares: South Asian, 0.0022%; no homozygotes.

Submissions (4):

Ambry Genetics
Classification: Uncertain significance for Inborn genetic diseases. Last evaluated: 2026-06-10. Review status: criteria provided, single submitter. Criteria: Ambry Variant Classification Scheme 2023. Collection method: clinical testing. Allele origin: germline.

Labcorp Genetics (formerly Invitae), Labcorp
Classification: Uncertain significance for Early-infantile DEE. Last evaluated: 2025-04-07. Review status: criteria provided, single submitter. Criteria: Invitae Variant Classification Sherloc (09022015). Collection method: clinical testing. Allele origin: germline.
Comment: This sequence change replaces serine, which is neutral and polar, with leucine, which is neutral and non-polar, at codon 1136 of the SCN1A protein (p.Ser1136Leu). This variant is present in population databases (rs746718015, gnomAD 0.003%). This variant has not been reported in the literature in individuals affected with SCN1A-related conditions. ClinVar contains an entry for this variant (Variation ID: 1400932). Invitae Evidence Modeling of protein sequence and biophysical properties (such as structural, functional, and spatial information, amino acid conservation, physicochemical variation, residue mobility, and thermodynamic stability) indicates that this missense variant is expected to disrupt SCN1A protein function with a positive predictive value of 95%. In summary, the available evidence is currently insufficient to determine the role of this variant in disease. Therefore, it has been classified as a Variant of Uncertain Significance.

GeneDx
Classification: Uncertain significance. Last evaluated: 2022-03-25. Review status: criteria provided, single submitter. Criteria: GeneDx Variant Classification Process June 2021. Collection method: clinical testing. Allele origin: germline. Affected: yes.
Comment: Missense variants in this gene are often considered pathogenic (HGMD); In silico analysis supports that this missense variant has a deleterious effect on protein structure/function; Has not been previously published as pathogenic or benign to our knowledge; This substitution is predicted to be in the cytoplasmic loop between the second and third homologous domains

Revvity Omics, Revvity
Classification: Uncertain significance. Last evaluated: 2021-02-18. Review status: criteria provided, single submitter. Criteria: ACMG Guidelines, 2015. Collection method: clinical testing. Allele origin: germline.

NM_001165963.4(SCN1A):c.3407C>T (p.Ser1136Leu)

Genes: SCN1A (sodium voltage-gated channel alpha subunit 1; minus strand), LOC102724058 (uncharacterized LOC102724058; plus strand). Cytogenetic location: 2q24.3.
Variant type: single nucleotide variant.
Coding change: c.3407C>T on transcript NM_001165963.4 (MANE Select); coding-DNA position 3407, C replaced by T.
Protein change: p.Ser1136Leu; replaces serine 1136 with leucine.
Molecular consequence: missense variant. On other transcripts: non-coding transcript variant (2).
Genome position (GRCh38, 1-based): chr2:166,036,070, G>A on the plus strand (C>T on the coding strand, the complement: SCN1A is on the minus strand). VCF-style: chr2-166036070-G-A. GRCh37 (hg19) VCF-style: chr2-166892580-G-A.
Other names: c.3407C>T (NM_001165963.3); c.3323C>T, p.Ser1108Leu (NM_001165964.3, NM_001353957.2, NM_001353958.2); c.3407C>T, p.Ser1136Leu (NM_001202435.3, NM_001353948.2); c.3374C>T, p.Ser1125Leu (NM_001353949.2, NM_001353950.2, NM_001353951.2 and 2 more transcripts); c.3371C>T, p.Ser1124Leu (NM_001353954.2, NM_001353955.2); c.3320C>T, p.Ser1107Leu (NM_001353960.2); c.965C>T, p.Ser322Leu (NM_001353961.2); short protein forms S1124L, S1136L, S322L, S1108L, S1107L, S1125L.
Identifiers: ClinVar variation 1400932 (VCV001400932.11), dbSNP rs746718015, ClinGen allele CA59787027.